The following is an entry in ClinVar:

NM_001211.6(BUB1B):c.805A>G (p.Asn269Asp)

Gene: BUB1B (BUB1 mitotic checkpoint serine/threonine kinase B; plus strand). Cytogenetic location: 15q15.1.
Variant type: single nucleotide variant.
Coding change: c.805A>G on transcript NM_001211.6 (MANE Select); coding-DNA position 805, A replaced by G.
Protein change: p.Asn269Asp; replaces asparagine 269 with aspartic acid.
Molecular consequence: missense variant.
Genome position (GRCh38, 1-based): chr15:40,185,218, A>G. VCF-style: chr15-40185218-A-G. GRCh37 (hg19) VCF-style: chr15-40477419-A-G.
Other names: short protein forms N269D.
Identifiers: ClinVar variation 133777 (VCV000133777.39), dbSNP rs148159407, ClinGen allele CA157783.

ClinVar aggregate classification (germline): Conflicting classifications of pathogenicity. Review status: criteria provided, conflicting classifications (1 of 4 stars). 10 submissions from 10 submitters: Uncertain significance (6); Likely benign (3). 1 of the submissions does not count toward it. Last evaluated 2026-10-01.

Conditions:
Mosaic variegated aneuploidy syndrome 1 (MVA1). Also called: Warburton-Anyane-Yeboa syndrome. Identifiers: Orphanet 1052, MedGen C1850343, MONDO:0009759, OMIM 257300.
Carcinoma of colon (CRC). Also called: Colonic carcinoma; Colon carcinoma. Identifiers: MedGen C0699790, MONDO:0002032.
Premature chromatid separation trait (PCS). Also called: TOTAL PREMATURE CHROMATID SEPARATION TRAIT. Identifiers: MedGen C1864389, MONDO:0008304, OMIM 176430.
Inborn genetic diseases. Identifiers: MedGen C0950123, MeSH D030342.

Allele frequency attached by ClinVar (database versions not stated): gnomAD exomes 0.00031 and 0.00016; gnomAD 0.00037 and 0.00041; ESP Exome Variant Server 0.00038; TOPMed 0.00052; 1000 Genomes Project 0.00020; ExAC 0.00028; 1000 Genomes Project 30x 0.00031.
gnomAD v4.1: 302 of 1,614,178 alleles (0.019%); highest among the groups gnomAD compares: Middle Eastern, 0.18%; 1 homozygote.

Submissions (10):

St. Jude Molecular Pathology, St. Jude Children's Research Hospital
Classification: Uncertain significance for Mosaic variegated aneuploidy syndrome 1. Last evaluated: 2026-10-01. Review status: criteria provided, single submitter. Criteria: St. Jude Assertion Criteria 2020. Collection method: clinical testing. Allele origin: germline.
Comment: The BUB1B c.805A>G p.(Asn269Asp) missense change has a maximum subpopulation frequency of 0.08% in gnomAD v2.1.1. The in silico tool REVEL predicts a benign effect on prote in function, but to our knowledge this prediction has not been confirmed by functional studies. To our knowledge, this variant has not been reported in individuals with mosaic variegated aneuploidy syndrome. In summary, the evidence currently available is insufficient to determine the clinical significance of this variant. It has therefore been classified as of uncertain significance.

CeGaT Center for Human Genetics Tuebingen
Classification: Likely benign. Last evaluated: 2026-07-01. Review status: criteria provided, single submitter. Criteria: CeGaT Center For Human Genetics Tuebingen Variant Classification Criteria Version 2. Collection method: clinical testing. Allele origin: germline. Affected: yes. Observed: 3 variant alleles.
Comment: BUB1B: BP4

Dasa
Classification: Likely benign. Last evaluated: 2026-04-21. Review status: criteria provided, single submitter. Criteria: DASA Assertion Criteria. Collection method: clinical testing. Allele origin: germline.
Comment: NM_001211.6(BUB1B):c.805A>G (p.Asn269Asp) is a missense variant that results in the substitution of asparagine with aspartic acid. Observations in unaffected individuals support a benign interpretation. Computational prediction algorithms are consistent with a benign effect. Therefore, based on the currently available evidence, this variant is classified as likely benign.

Labcorp Genetics (formerly Invitae), Labcorp
Classification: Likely benign for Mosaic variegated aneuploidy syndrome 1. Last evaluated: 2025-12-31. Review status: criteria provided, single submitter. Criteria: Invitae Variant Classification Sherloc (09022015). Collection method: clinical testing. Allele origin: germline.

GeneDx
Classification: Uncertain significance. Last evaluated: 2025-06-10. Review status: criteria provided, single submitter. Criteria: GeneDx Variant Classification Process June 2021. Collection method: clinical testing. Allele origin: germline. Affected: yes.
Comment: In silico analysis supports that this missense variant has a deleterious effect on protein structure/function; Has not been previously published as pathogenic or benign to our knowledge

Women's Health and Genetics/Laboratory Corporation of America, LabCorp
Classification: Uncertain significance. Last evaluated: 2025-02-06. Review status: criteria provided, single submitter. Criteria: LabCorp Variant Classification Summary - May 2015. Collection method: clinical testing. Allele origin: germline.
Comment: Variant summary: BUB1B c.805A>G (p.Asn269Asp) results in a conservative amino acid change in the encoded protein sequence. Five of five in-silico tools predict a benign effect of the variant on protein function. The variant allele was found at a frequency of 0.00031 in 251344 control chromosomes. This frequency is not significantly higher than estimated for a pathogenic variant in BUB1B causing Mosaic Variegated Aneuploidy Syndrome 1, allowing no conclusion about variant significance. To our knowledge, no occurrence of c.805A>G in individuals affected with Mosaic Variegated Aneuploidy Syndrome 1 and no experimental evidence demonstrating its impact on protein function have been reported. ClinVar contains an entry for this variant (Variation ID: 133777). Based on the evidence outlined above, the variant was classified as uncertain significance.

Blueprint Genetics
Classification: Uncertain significance. Last evaluated: 2024-10-16. Review status: criteria provided, single submitter. Criteria: ACMG Guidelines, 2015. Collection method: clinical testing. Allele origin: germline.

Ambry Genetics
Classification: Uncertain significance for Inborn genetic diseases. Last evaluated: 2023-08-21. Review status: criteria provided, single submitter. Criteria: Ambry Variant Classification Scheme 2023. Collection method: clinical testing. Allele origin: germline.

Fulgent Genetics
Classification: Uncertain significance for Colorectal cancer; Premature chromatid separation trait; Mosaic variegated aneuploidy syndrome 1. Last evaluated: 2018-10-31. Review status: criteria provided, single submitter. Criteria: ACMG Guidelines, 2015. Collection method: clinical testing. Allele origin: unknown.

ITMI
No classification provided. Condition: AllHighlyPenetrant. Last evaluated: 2013-09-19. Review status: no classification provided. Collection method: reference population. Allele origin: germline. Not counted in ClinVar's aggregate classification.
Comment: Please see associated publication for description of ethnicities

Literature cited by the submitters: PubMed 24728327 (cited by ITMI).